The following is an entry in ClinVar:

NM_001374504.1(TMPRSS6):c.943G>A (p.Val315Met)

Gene: TMPRSS6 (transmembrane serine protease 6; minus strand). Cytogenetic location: 22q12.3.
Variant type: single nucleotide variant.
Coding change: c.943G>A on transcript NM_001374504.1 (MANE Select); coding-DNA position 943, G replaced by A.
Protein change: p.Val315Met; replaces valine 315 with methionine.
Molecular consequence: missense variant.
Genome position (GRCh38, 1-based): chr22:37,086,313, C>T on the plus strand (G>A on the coding strand, the complement: TMPRSS6 is on the minus strand). VCF-style: chr22-37086313-C-T. GRCh37 (hg19) VCF-style: chr22-37482353-C-T.
Other names: c.943G>A, p.Val315Met (NM_001289000.2, NM_001289001.2, NM_153609.4); c.970G>A (NM_153609.2); short protein forms V315M.
Identifiers: ClinVar variation 1402250 (VCV001402250.7), dbSNP rs188371820, ClinGen allele CA10215843.

ClinVar aggregate classification (germline): Conflicting classifications of pathogenicity. Review status: criteria provided, conflicting classifications (1 of 4 stars). 3 submissions from 3 submitters: Uncertain significance (2); Likely benign (1). Last evaluated 2024-08-04.

Conditions:
Inborn genetic diseases. Identifiers: MedGen C0950123, MeSH D030342.

Allele frequency attached by ClinVar (database versions not stated): TOPMed 0.00035; gnomAD 0.00009; ExAC 0.00024; 1000 Genomes Project 30x 0.00016; 1000 Genomes Project 0.00020; gnomAD exomes 0.00023.

Submissions (3):

Ambry Genetics
Classification: Likely benign for Inborn genetic diseases. Last evaluated: 2024-08-04. Review status: criteria provided, single submitter. Criteria: Ambry Variant Classification Scheme 2023. Collection method: clinical testing. Allele origin: germline.

Labcorp Genetics (formerly Invitae), Labcorp
Classification: Uncertain significance. Last evaluated: 2021-08-30. Review status: criteria provided, single submitter. Criteria: Invitae Variant Classification Sherloc (09022015). Collection method: clinical testing. Allele origin: germline.
Comment: This sequence change replaces valine with methionine at codon 324 of the TMPRSS6 protein (p.Val324Met). The valine residue is moderately conserved and there is a small physicochemical difference between valine and methionine. This variant is present in population databases (rs188371820, ExAC 0.2%). This variant has not been reported in the literature in individuals affected with TMPRSS6-related conditions. Algorithms developed to predict the effect of missense changes on protein structure and function output the following: SIFT: "Tolerated"; PolyPhen-2: "Benign"; Align-GVGD: "Class C0". The methionine amino acid residue is found in multiple mammalian species, which suggests that this missense change does not adversely affect protein function. In summary, the available evidence is currently insufficient to determine the role of this variant in disease. Therefore, it has been classified as a Variant of Uncertain Significance.

Breakthrough Genomics
Classification: Uncertain significance. Review status: criteria provided, single submitter. Criteria: ACMG Guidelines, 2015. Collection method: not provided. Allele origin: germline. Inheritance: Autosomal dominant inheritance. Affected: yes.